The following is an entry in ClinVar:

NM_001110354.2(ZP3):c.662C>G (p.Pro221Arg)

Gene: ZP3 (zona pellucida glycoprotein 3; plus strand). Cytogenetic location: 7q11.23.
Variant type: single nucleotide variant.
Coding change: c.662C>G on transcript NM_001110354.2 (MANE Select); coding-DNA position 662, C replaced by G.
Protein change: p.Pro221Arg; replaces proline 221 with arginine.
Molecular consequence: missense variant.
Genome position (GRCh38, 1-based): chr7:76,433,596, C>G. VCF-style: chr7-76433596-C-G. GRCh37 (hg19) VCF-style: chr7-76062913-C-G.
Other names: c.509C>G, p.Pro170Arg (NM_007155.6); short protein forms P221R, P170R.
Identifiers: ClinVar variation 779252 (VCV000779252.34), dbSNP rs139729790, ClinGen allele CA4307456.
Genomic context (GRCh38, chr7:76,433,596, plus strand): 5'-AAATCCACACTGGCAGCCACGTGCCACTGCGGTTGTTTGTGGACCACTGCGTGGCCACAC[C>G]GACACCAGACCAGAATGCCTCCCCTTATCACACCATCGTGGACTTCCATGGGTGAGCACT-3'
Protein context (NP_001103824.1, residues 211-231): RLFVDHCVAT[Pro221Arg]TPDQNASPYH

ClinVar aggregate classification (germline): Benign. Review status: criteria provided, multiple submitters, no conflicts (2 of 4 stars). 3 submissions from 3 submitters: Benign (3). Last evaluated 2023-03-01.

Allele frequency attached by ClinVar (database versions not stated): 1000 Genomes Project 30x 0.00437; 1000 Genomes Project 0.00439; TOPMed 0.00928; ESP Exome Variant Server 0.01053.
gnomAD v4.1: 22,184 of 1,614,026 alleles (1.4%); highest among the groups gnomAD compares: Non-Finnish European, 1.7%; 210 homozygotes.

Submissions (3):

CeGaT Center for Human Genetics Tuebingen
Classification: Benign. Last evaluated: 2023-03-01. Review status: criteria provided, single submitter. Criteria: CeGaT Center For Human Genetics Tuebingen Variant Classification Criteria Version 2. Collection method: clinical testing. Allele origin: germline. Affected: yes. Observed: 3 variant alleles.
Comment: ZP3: BP4, BS1, BS2

Labcorp Genetics (formerly Invitae), Labcorp
Classification: Benign. Last evaluated: 2019-12-31. Review status: criteria provided, single submitter. Criteria: Invitae Variant Classification Sherloc (09022015). Collection method: clinical testing. Allele origin: germline.

Breakthrough Genomics
Classification: Benign. Review status: criteria provided, single submitter. Criteria: ACMG Guidelines, 2015. Collection method: not provided. Allele origin: germline. Inheritance: Autosomal dominant inheritance. Affected: yes.